The following is an entry in ClinVar:

NM_005045.4(RELN):c.1192G>A (p.Gly398Ser)

Gene: RELN (reelin; minus strand). Cytogenetic location: 7q22.1.
Variant type: single nucleotide variant.
Coding change: c.1192G>A on transcript NM_005045.4 (MANE Select); coding-DNA position 1192, G replaced by A.
Protein change: p.Gly398Ser; replaces glycine 398 with serine.
Molecular consequence: missense variant.
Genome position (GRCh38, 1-based): chr7:103,682,213, C>T on the plus strand (G>A on the coding strand, the complement: RELN is on the minus strand). VCF-style: chr7-103682213-C-T. GRCh37 (hg19) VCF-style: chr7-103322660-C-T.
Other names: c.1192G>A, p.Gly398Ser (NM_173054.3); short protein forms G398S.
Identifiers: ClinVar variation 2943128 (VCV002943128.3), dbSNP rs1055488676, ClinGen allele CA368926575.

ClinVar aggregate classification (germline): Uncertain significance (1 of 4 stars; one submission).

Conditions:
Familial temporal lobe epilepsy 7. Identifiers: Orphanet 101046, MedGen C4225327, MONDO:0014639, OMIM 616436.
Norman-Roberts syndrome (LIS2). Also called: Lissencephaly 2 (Norman-Roberts type). Identifiers: Orphanet 89844, MedGen C0796089, MONDO:0009760, OMIM 257320.

Submission:

Labcorp Genetics (formerly Invitae), Labcorp
Classification: Uncertain significance for Familial temporal lobe epilepsy 7; Norman-Roberts syndrome. Last evaluated: 2023-07-16. Review status: criteria provided, single submitter. Criteria: Invitae Variant Classification Sherloc (09022015). Collection method: clinical testing. Allele origin: germline.
Comment: In summary, the available evidence is currently insufficient to determine the role of this variant in disease. Therefore, it has been classified as a Variant of Uncertain Significance. Advanced modeling of protein sequence and biophysical properties (such as structural, functional, and spatial information, amino acid conservation, physicochemical variation, residue mobility, and thermodynamic stability) performed at Invitae indicates that this missense variant is not expected to disrupt RELN protein function. This variant has not been reported in the literature in individuals affected with RELN-related conditions. This variant is not present in population databases (gnomAD no frequency). This sequence change replaces glycine, which is neutral and non-polar, with serine, which is neutral and polar, at codon 398 of the RELN protein (p.Gly398Ser).